The following is an entry in ClinVar:

ClinVar aggregate classification (germline): Uncertain significance (1 of 4 stars; one submission).

Conditions:
Familial adenomatous polyposis 2. Also called: COLORECTAL ADENOMATOUS POLYPOSIS, AUTOSOMAL RECESSIVE; ADENOMAS, MULTIPLE COLORECTAL, AUTOSOMAL RECESSIVE; MYH-associated polyposis; MUTYH-associated polyposis; MUTYH-related attenuated familial adenomatous polyposis; MUTYH Polyposis. Identifiers: Orphanet 220460, Orphanet 247798, MedGen C3272841, MONDO:0012041, OMIM 608456.

Submission:

All of Us Research Program, National Institutes of Health
Classification: Uncertain significance for Familial adenomatous polyposis 2. Last evaluated: 2023-11-30. Review status: criteria provided, single submitter. Criteria: ACMG Guidelines, 2015. Collection method: clinical testing. Allele origin: germline. Inheritance: Autosomal recessive inheritance. Observed: 1 variant allele, 1 heterozygote.
Comment: This study involves interpretation of variants in research participants for the purpose of population health screening. Participant phenotype was not available at the time of variant classification. Additional details can be found in publication PMID: 35346344, PMCID: PMC8962531

NM_001048174.2(MUTYH):c.1460C>A (p.Ser487Tyr)

Gene: MUTYH (mutY DNA glycosylase; minus strand). Cytogenetic location: 1p34.1.
Variant type: single nucleotide variant.
Coding change: c.1460C>A on transcript NM_001048174.2 (MANE Select); coding-DNA position 1460, C replaced by A.
Protein change: p.Ser487Tyr; replaces serine 487 with tyrosine.
Molecular consequence: missense variant. On other transcripts: non-coding transcript variant (7).
Genome position (GRCh38, 1-based): chr1:45,329,412, G>T on the plus strand (C>A on the coding strand, the complement: MUTYH is on the minus strand). VCF-style: chr1-45329412-G-T. GRCh37 (hg19) VCF-style: chr1-45795084-G-T.
Other names: c.1505C>A, p.Ser502Tyr (NM_001293190.2); c.1493C>A, p.Ser498Tyr (NM_001293191.2, NM_001407069.1, NM_001407077.1); c.1184C>A, p.Ser395Tyr (NM_001293192.2, NM_001293196.2, NM_001407091.1); c.1460C>A, p.Ser487Tyr (NM_001293195.2, NM_001407070.1, NM_001407088.1 and 6 more transcripts); c.1115C>A, p.Ser372Tyr (NM_001350650.2, NM_001350651.2, NM_001407082.1); c.1502C>A, p.Ser501Tyr (NM_001407083.1, NM_001407085.1); c.1463C>A, p.Ser488Tyr (NM_001407086.1, NM_001048172.2, NM_001407071.1 and 1 more transcripts); c.1481C>A, p.Ser494Tyr (NM_001407087.1); and 5 more; short protein forms S372Y, S395Y, S459Y, S473Y, S474Y, S487Y, S488Y, S494Y.
Identifiers: ClinVar variation 3073893 (VCV003073893.1), dbSNP rs140118273, ClinGen allele CA340131871.